The following is an entry in ClinVar:

NM_133259.4(LRPPRC):c.1369+5G>A

Gene: LRPPRC (leucine rich pentatricopeptide repeat containing; minus strand). Cytogenetic location: 2p21.
Variant type: single nucleotide variant.
Coding change: c.1369+5G>A on transcript NM_133259.4 (MANE Select); 5 bases into the intron after coding-DNA position 1369, G replaced by A.
Molecular consequence: intron variant.
Genome position (GRCh38, 1-based): chr2:43,973,602, C>T on the plus strand (G>A on the coding strand, the complement: LRPPRC is on the minus strand). VCF-style: chr2-43973602-C-T. GRCh37 (hg19) VCF-style: chr2-44200741-C-T.
Identifiers: ClinVar variation 336164 (VCV000336164.10), dbSNP rs199628926, ClinGen allele CA10613437.

ClinVar aggregate classification (germline): Uncertain significance. Review status: criteria provided, multiple submitters, no conflicts (2 of 4 stars). 5 submissions from 5 submitters: Uncertain significance (4). 1 of the submissions does not count toward it. Last evaluated 2025-05-12.

Conditions:
Inborn genetic diseases. Identifiers: MedGen C0950123, MeSH D030342.
Congenital lactic acidosis, Saguenay-Lac-Saint-Jean type (MC4DN5). Also called: CYTOCHROME c OXIDASE DEFICIENCY, FRENCH CANADIAN TYPE; COX DEFICIENCY, FRENCH CANADIAN TYPE; MITOCHONDRIAL COMPLEX IV DEFICIENCY, NUCLEAR TYPE 5. Identifiers: Orphanet 70472, MedGen C1857355, MONDO:0009069, OMIM 220111.

Allele frequency attached by ClinVar (database versions not stated): gnomAD exomes 0.00001 and 0.00003; TOPMed 0.00002; gnomAD 0.00003; 1000 Genomes Project 30x 0.00031.
gnomAD v4.1: 51 of 1,602,790 alleles (0.0032%); highest among the groups gnomAD compares: Non-Finnish European, 0.0044%; no homozygotes.

Submissions (5):

GeneDx
Classification: Uncertain significance. Last evaluated: 2025-05-12. Review status: criteria provided, single submitter. Criteria: GeneDx Variant Classification Process June 2021. Collection method: clinical testing. Allele origin: germline. Affected: yes.
Comment: Not observed at significant frequency in large population cohorts (gnomAD); In silico analysis supports a deleterious effect on splicing; Has not been previously published as pathogenic or benign to our knowledge

Ambry Genetics
Classification: Uncertain significance for Inborn genetic diseases. Last evaluated: 2023-07-03. Review status: criteria provided, single submitter. Criteria: Ambry Variant Classification Scheme 2023. Collection method: clinical testing. Allele origin: germline.
Comment: The c.1369+5G>A intronic alteration consists of a G to A substitution 5 nucleotides after exon 11 (coding exon 11) in the LRPPRC gene. Based on insufficient or conflicting evidence, the clinical significance of this alteration remains unclear.

Labcorp Genetics (formerly Invitae), Labcorp
Classification: Uncertain significance. Last evaluated: 2022-06-27. Review status: criteria provided, single submitter. Criteria: Invitae Variant Classification Sherloc (09022015). Collection method: clinical testing. Allele origin: germline.
Comment: This sequence change falls in intron 11 of the LRPPRC gene. It does not directly change the encoded amino acid sequence of the LRPPRC protein. It affects a nucleotide within the consensus splice site. This variant is present in population databases (rs199628926, gnomAD 0.002%). This variant has not been reported in the literature in individuals affected with LRPPRC-related conditions. ClinVar contains an entry for this variant (Variation ID: 336164). Variants that disrupt the consensus splice site are a relatively common cause of aberrant splicing (PMID: 17576681, 9536098). Algorithms developed to predict the effect of sequence changes on RNA splicing suggest that this variant may disrupt the consensus splice site. In summary, the available evidence is currently insufficient to determine the role of this variant in disease. Therefore, it has been classified as a Variant of Uncertain Significance.

Illumina Laboratory Services, Illumina
Classification: Uncertain significance for Congenital lactic acidosis, Saguenay-Lac-Saint-Jean type. Last evaluated: 2018-01-13. Review status: criteria provided, single submitter. Criteria: ICSL Variant Classification Criteria 13 December 2019. Collection method: clinical testing. Allele origin: germline.

Counsyl
Classification: Uncertain significance for Congenital lactic acidosis, Saguenay-Lac-Saint-Jean type. Last evaluated: 2017-05-12. Review status: no assertion criteria provided. Collection method: clinical testing. Allele origin: unknown. Not counted in ClinVar's aggregate classification.

Literature cited by the submitters: PubMed 17576681 (cited by Labcorp Genetics (formerly Invitae), Labcorp); PubMed 9536098 (cited by Labcorp Genetics (formerly Invitae), Labcorp).